The following is an entry in ClinVar:

ClinVar aggregate classification (germline): Uncertain significance (1 of 4 stars; one submission).

Submission:

Labcorp Genetics (formerly Invitae), Labcorp
Classification: Uncertain significance. Last evaluated: 2024-05-16. Review status: criteria provided, single submitter. Criteria: Invitae Variant Classification Sherloc (09022015). Collection method: clinical testing. Allele origin: germline.
Comment: This sequence change replaces cysteine, which is neutral and slightly polar, with serine, which is neutral and polar, at codon 178 of the PSMG2 protein (p.Cys178Ser). This variant is not present in population databases (gnomAD no frequency). This variant has not been reported in the literature in individuals affected with PSMG2-related conditions. ClinVar contains an entry for this variant (Variation ID: 1718032). An algorithm developed to predict the effect of missense changes on protein structure and function (PolyPhen-2) suggests that this variant is likely to be tolerated. In summary, the available evidence is currently insufficient to determine the role of this variant in disease. Therefore, it has been classified as a Variant of Uncertain Significance.

NM_020232.5(PSMG2):c.533G>C (p.Cys178Ser)

Gene: PSMG2 (proteasome assembly chaperone 2; plus strand). Cytogenetic location: 18p11.21.
Variant type: single nucleotide variant.
Coding change: c.533G>C on transcript NM_020232.5 (MANE Select); coding-DNA position 533, G replaced by C.
Protein change: p.Cys178Ser; replaces cysteine 178 with serine.
Molecular consequence: missense variant.
Genome position (GRCh38, 1-based): chr18:12,720,635, G>C. VCF-style: chr18-12720635-G-C. GRCh37 (hg19) VCF-style: chr18-12720634-G-C.
Other names: c.440G>C, p.Cys147Ser (NM_147163.2); short protein forms C147S, C178S.
Identifiers: ClinVar variation 1718032 (VCV001718032.5), dbSNP rs2040422055, ClinGen allele CA401968761.